The following is an entry in ClinVar:

ClinVar aggregate classification (germline): Uncertain significance. Review status: criteria provided, multiple submitters, no conflicts (2 of 4 stars). 5 submissions from 4 submitters: Uncertain significance (4). 1 of the submissions does not count toward it. Last evaluated 2025-08-06.

Conditions:
Athabaskan severe combined immunodeficiency (SCIDA). Also called: Severe combined immunodeficiency, athabascan-type. Identifiers: MedGen C1865370.
Histiocytic medullary reticulosis. Also called: SEVERE COMBINED IMMUNODEFICIENCY WITH HYPEREOSINOPHILIA; Omenn syndrome. Identifiers: Orphanet 39041, MedGen C2700553, MONDO:0011338, OMIM 603554.
Inborn genetic diseases. Identifiers: MedGen C0950123, MeSH D030342.
Severe combined immunodeficiency due to DCLRE1C deficiency (RS-SCID). Also called: SCID, AUTOSOMAL RECESSIVE, T CELL-NEGATIVE, B CELL-NEGATIVE, NK CELL-POSITIVE, WITH SENSITIVITY TO IONIZING RADIATION. Identifiers: Orphanet 275, MedGen C1865371, MONDO:0011225, OMIM 602450.

Allele frequency attached by ClinVar (database versions not stated): gnomAD below 0.00001 and 0.00002; gnomAD exomes 0.00002 and 0.00006; 1000 Genomes Project 30x 0.00031; TOPMed 0.00002; ExAC 0.00008; 1000 Genomes Project 0.00040.
gnomAD v4.1: 38 of 1,614,184 alleles (0.0024%); highest among the groups gnomAD compares: South Asian, 0.038%; 1 homozygote.

Submissions (5):

Ambry Genetics
Classification: Uncertain significance for Inborn genetic diseases. Last evaluated: 2025-08-06. Review status: criteria provided, single submitter. Criteria: Ambry Variant Classification Scheme 2023. Collection method: clinical testing. Allele origin: germline.

Labcorp Genetics (formerly Invitae), Labcorp
Classification: Uncertain significance for Athabaskan severe combined immunodeficiency. Last evaluated: 2022-08-16. Review status: criteria provided, single submitter. Criteria: Invitae Variant Classification Sherloc (09022015). Collection method: clinical testing. Allele origin: germline.
Comment: This sequence change replaces glutamic acid, which is acidic and polar, with glycine, which is neutral and non-polar, at codon 633 of the DCLRE1C protein (p.Glu633Gly). This variant is present in population databases (rs533771936, gnomAD 0.05%). This variant has not been reported in the literature in individuals affected with DCLRE1C-related conditions. ClinVar contains an entry for this variant (Variation ID: 643878). Algorithms developed to predict the effect of missense changes on protein structure and function output the following: SIFT: "Tolerated"; PolyPhen-2: "Benign"; Align-GVGD: "Class C0". The glycine amino acid residue is found in multiple mammalian species, which suggests that this missense change does not adversely affect protein function. In summary, the available evidence is currently insufficient to determine the role of this variant in disease. Therefore, it has been classified as a Variant of Uncertain Significance.

Genome-Nilou Lab
Classification: Uncertain significance for Histiocytic medullary reticulosis. Last evaluated: 2021-07-14. Review status: criteria provided, single submitter. Criteria: ACMG Guidelines, 2015. Collection method: clinical testing. Allele origin: germline. Affected: no.

Genome-Nilou Lab
Classification: Uncertain significance for Severe combined immunodeficiency due to DCLRE1C deficiency. Last evaluated: 2021-07-14. Review status: criteria provided, single submitter. Criteria: ACMG Guidelines, 2015. Collection method: clinical testing. Allele origin: germline. Affected: no.

Natera, Inc.
Classification: Uncertain significance for Athabascan severe combined immunodeficiency. Last evaluated: 2020-03-10. Review status: no assertion criteria provided. Collection method: clinical testing. Allele origin: germline. Not counted in ClinVar's aggregate classification.

NM_001033855.3(DCLRE1C):c.1898A>G (p.Glu633Gly)

Gene: DCLRE1C (DNA cross-link repair 1C; minus strand). Cytogenetic location: 10p13.
Variant type: single nucleotide variant.
Coding change: c.1898A>G on transcript NM_001033855.3 (MANE Select); coding-DNA position 1898, A replaced by G.
Protein change: p.Glu633Gly; replaces glutamic acid 633 with glycine.
Molecular consequence: missense variant. On other transcripts: non-coding transcript variant (3), intron variant (3).
Genome position (GRCh38, 1-based): chr10:14,908,589, T>C on the plus strand (A>G on the coding strand, the complement: DCLRE1C is on the minus strand). VCF-style: chr10-14908589-T-C. GRCh37 (hg19) VCF-style: chr10-14950588-T-C.
Other names: c.1538A>G, p.Glu513Gly (NM_001033857.3, NM_001033858.3, NM_001289077.2 and 1 more transcripts); c.1553A>G, p.Glu518Gly (NM_001289076.2, NM_001289078.2, NM_022487.4); c.1437+116A>G (NM_001350966.2); c.1782+116A>G (NM_001350965.2); c.1422+116A>G (NM_001350967.2); c.1898A>G (NM_001033855.1); short protein forms E518G, E513G, E633G.
Identifiers: ClinVar variation 643878 (VCV000643878.11), dbSNP rs533771936, ClinGen allele CA5416377.